The following is an entry in ClinVar:

ClinVar aggregate classification (germline): Likely benign (1 of 4 stars; one submission).

gnomAD v4.1: 4 of 1,371,112 alleles (0.00029%); highest among the groups gnomAD compares: African/African-American, 0.003%; no homozygotes.

Submission:

CeGaT Center for Human Genetics Tuebingen
Classification: Likely benign. Last evaluated: 2022-07-01. Review status: criteria provided, single submitter. Criteria: CeGaT Center For Human Genetics Tuebingen Variant Classification Criteria Version 2. Collection method: clinical testing. Allele origin: germline. Affected: yes. Observed: 1 variant allele.
Comment: VGLL3: PM2:Supporting, BP4, BP7

NM_016206.4(VGLL3):c.105G>A (p.Pro35=)

Gene: VGLL3 (vestigial like family member 3; minus strand). Cytogenetic location: 3p12.1.
Variant type: single nucleotide variant.
Coding change: c.105G>A on transcript NM_016206.4 (MANE Select); coding-DNA position 105, G replaced by A.
Protein change: p.Pro35=; no amino-acid change (proline 35 retained).
Molecular consequence: synonymous variant.
Genome position (GRCh38, 1-based): chr3:86,990,639, C>T on the plus strand (G>A on the coding strand, the complement: VGLL3 is on the minus strand). VCF-style: chr3-86990639-C-T. GRCh37 (hg19) VCF-style: chr3-87039789-C-T.
Other names: c.105G>A, p.Pro35= (NM_001320493.2, NM_001320494.2).
Identifiers: ClinVar variation 2653986 (VCV002653986.24), dbSNP rs2471774067, ClinGen allele CA434571063.